The following is an entry in ClinVar:

ClinVar aggregate classification (germline): Uncertain significance (1 of 4 stars; one submission).

Conditions:
Hereditary pancreatitis (PCTT). Also called: Hereditary chronic pancreatitis; PRSS1-Related Hereditary Pancreatitis. Identifiers: Orphanet 676, MedGen C0238339, MONDO:0008185, OMIM 167800.

Submission:

Ambry Genetics
Classification: Uncertain significance for Hereditary pancreatitis. Last evaluated: 2024-11-30. Review status: criteria provided, single submitter. Criteria: Ambry Variant Classification Scheme 2023. Collection method: clinical testing. Allele origin: germline.
Comment: The p.T199I variant (also known as c.596C>T), located in coding exon 6 of the CTRC gene, results from a C to T substitution at nucleotide position 596. The threonine at codon 199 is replaced by isoleucine, an amino acid with similar properties. This amino acid position is conserved. In addition, the in silico prediction for this alteration is inconclusive. Based on the available evidence, the clinical significance of this variant remains unclear.

NM_007272.3(CTRC):c.596C>T (p.Thr199Ile)

Gene: CTRC (chymotrypsin C; plus strand). Cytogenetic location: 1p36.21.
Variant type: single nucleotide variant.
Coding change: c.596C>T on transcript NM_007272.3 (MANE Select); coding-DNA position 596, C replaced by T.
Protein change: p.Thr199Ile; replaces threonine 199 with isoleucine.
Molecular consequence: missense variant.
Genome position (GRCh38, 1-based): chr1:15,444,708, C>T. VCF-style: chr1-15444708-C-T. GRCh37 (hg19) VCF-style: chr1-15771203-C-T.
Other names: short protein forms T199I.
Identifiers: ClinVar variation 3498417 (VCV003498417.1).